The following is an entry in ClinVar:

ClinVar aggregate classification (germline): Uncertain significance (1 of 4 stars; one submission).

Conditions:
Adenylosuccinate lyase deficiency (ADSLD). Also called: ADSL DEFICIENCY. Identifiers: Orphanet 46, MedGen C0268126, MONDO:0007068, OMIM 103050.

Allele frequency attached by ClinVar (database versions not stated): gnomAD exomes 0.00002; gnomAD 0.00011; TOPMed 0.00018.

Submission:

Labcorp Genetics (formerly Invitae), Labcorp
Classification: Uncertain significance for Adenylosuccinate lyase deficiency. Last evaluated: 2022-07-30. Review status: criteria provided, single submitter. Criteria: Invitae Variant Classification Sherloc (09022015). Collection method: clinical testing. Allele origin: germline.
Comment: This variant occurs in a non-coding region of the ADSL gene. It does not change the encoded amino acid sequence of the ADSL protein. This variant is present in population databases (no rsID available, gnomAD 0.05%). This variant has not been reported in the literature in individuals affected with ADSL-related conditions. Experimental studies and prediction algorithms are not available or were not evaluated, and the functional significance of this variant is currently unknown. In summary, the available evidence is currently insufficient to determine the role of this variant in disease. Therefore, it has been classified as a Variant of Uncertain Significance.

NC_000022.11:g.40346412G>C

Gene: ADSL (adenylosuccinate lyase; plus strand). Cytogenetic location: 22q13.1.
Variant type: single nucleotide variant.
Genome position: GRCh38 VCF-style: chr22-40346412-G-C. GRCh37 (hg19) VCF-style: chr22-40742416-G-C.
Identifiers: ClinVar variation 1436718 (VCV001436718.3), dbSNP rs973872264, ClinGen allele CA324446875.